The following is an entry in ClinVar:

NM_015340.4(LARS2):c.2619C>T (p.Ser873=)

Gene: LARS2 (leucyl-tRNA synthetase 2, mitochondrial; plus strand). Cytogenetic location: 3p21.31.
Variant type: single nucleotide variant.
Coding change: c.2619C>T on transcript NM_015340.4 (MANE Select); coding-DNA position 2619, C replaced by T.
Protein change: p.Ser873=; no amino-acid change (serine 873 retained).
Molecular consequence: synonymous variant.
Genome position (GRCh38, 1-based): chr3:45,547,437, C>T. VCF-style: chr3-45547437-C-T. GRCh37 (hg19) VCF-style: chr3-45588929-C-T.
Other names: c.2619C>T, p.Ser873= (NM_001368263.1).
Identifiers: ClinVar variation 3239060 (VCV003239060.20), dbSNP rs377004763.

ClinVar aggregate classification (germline): Likely benign. Review status: criteria provided, multiple submitters, no conflicts (2 of 4 stars). 2 submissions from 2 submitters: Likely benign (2). Last evaluated 2025-12-08.

Allele frequency attached by ClinVar (database versions not stated): gnomAD exomes 0.00005; 1000 Genomes Project 0.00040; 1000 Genomes Project 30x 0.00047.

Submissions (2):

Labcorp Genetics (formerly Invitae), Labcorp
Classification: Likely benign. Last evaluated: 2025-12-08. Review status: criteria provided, single submitter. Criteria: Invitae Variant Classification Sherloc (09022015). Collection method: clinical testing. Allele origin: germline.

CeGaT Center for Human Genetics Tuebingen
Classification: Likely benign. Last evaluated: 2024-04-01. Review status: criteria provided, single submitter. Criteria: CeGaT Center For Human Genetics Tuebingen Variant Classification Criteria Version 2. Collection method: clinical testing. Allele origin: germline. Affected: yes. Observed: 1 variant allele.
Comment: LARS2: BP4, BP7